The following is an entry in ClinVar:

ClinVar aggregate classification (germline): Pathogenic (1 of 4 stars; one submission).

Conditions:
Primary ciliary dyskinesia. Also called: Ciliary dyskinesia. Identifiers: Orphanet 244, MedGen C0008780, MONDO:0016575, HP:0012265.

Submission:

Labcorp Genetics (formerly Invitae), Labcorp
Classification: Pathogenic for Primary ciliary dyskinesia. Last evaluated: 2023-01-08. Review status: criteria provided, single submitter. Criteria: Invitae Variant Classification Sherloc (09022015). Collection method: clinical testing. Allele origin: unknown.
Comment: For these reasons, this variant has been classified as Pathogenic. This variant has not been reported in the literature in individuals affected with DNAH5-related conditions. This variant is a gross deletion of the genomic region encompassing exon(s) 56-58 of the DNAH5 gene. This deletion is out-of-frame, and is expected to create a premature termination codon and result in an absent or disrupted protein product. Loss-of-function variants in DNAH5 are known to be pathogenic (PMID: 11788826, 16627867).

Literature cited by the submitters: PubMed 11788826; PubMed 16627867.

NC_000005.9:g.(?_13769049)_(13771109_?)del

Gene: DNAH5 (dynein axonemal heavy chain 5; minus strand). Cytogenetic location: 5p15.2.
Variant type: Deletion.
Identifiers: ClinVar variation 3246262 (VCV003246262.1).